The following is an entry in ClinVar:

NM_138691.3(TMC1):c.1326_1330delinsTTGAAAT (p.Leu443_Gly444delinsTer)

Gene: TMC1 (transmembrane channel like 1; plus strand). Cytogenetic location: 9q21.13.
Variant type: Indel.
Coding change: c.1326_1330delinsTTGAAAT on transcript NM_138691.3 (MANE Select); coding-DNA positions 1326 to 1330, ACTGG replaced by TTGAAAT.
Protein change: p.Leu443_Gly444delinsTer.
Molecular consequence: nonsense.
Genome position (GRCh38, 1-based): chr9:72,791,987-72,791,991, ACTGG replaced by TTGAAAT. VCF-style: chr9-72791987-ACTGG-TTGAAAT. GRCh37 (hg19) VCF-style: chr9-75406903-ACTGG-TTGAAAT.
Identifiers: ClinVar variation 2857496 (VCV002857496.3), dbSNP rs2489926285, ClinGen allele CA2739269268.

ClinVar aggregate classification (germline): Pathogenic (1 of 4 stars; one submission).

Submission:

Labcorp Genetics (formerly Invitae), Labcorp
Classification: Pathogenic. Last evaluated: 2023-04-18. Review status: criteria provided, single submitter. Criteria: Invitae Variant Classification Sherloc (09022015). Collection method: clinical testing. Allele origin: germline.
Comment: For these reasons, this variant has been classified as Pathogenic. This variant has not been reported in the literature in individuals affected with TMC1-related conditions. This variant is not present in population databases (gnomAD no frequency). This sequence change creates a premature translational stop signal (p.Leu443*) in the TMC1 gene. It is expected to result in an absent or disrupted protein product. Loss-of-function variants in TMC1 are known to be pathogenic (PMID: 11850618, 22105175).

Literature cited by the submitters: PubMed 11850618; PubMed 22105175.